The following is an entry in ClinVar:

ClinVar aggregate classification (germline): Uncertain significance (1 of 4 stars; one submission).

Conditions:
Autoimmune lymphoproliferative syndrome type 2B. Also called: AUTOIMMUNE LYMPHOPROLIFERATIVE SYNDROME, TYPE IIB. Identifiers: Orphanet 275517, MedGen C1846545, MONDO:0011804, OMIM 607271.

Submission:

Labcorp Genetics (formerly Invitae), Labcorp
Classification: Uncertain significance for Autoimmune lymphoproliferative syndrome type 2B. Last evaluated: 2025-11-03. Review status: criteria provided, single submitter. Criteria: Invitae Variant Classification Sherloc (09022015). Collection method: clinical testing. Allele origin: germline.
Comment: This sequence change replaces phenylalanine, which is neutral and non-polar, with valine, which is neutral and non-polar, at codon 357 of the CASP8 protein (p.Phe357Val). This variant is not present in population databases (gnomAD no frequency). This variant has not been reported in the literature in individuals affected with CASP8-related conditions. Invitae Evidence Modeling of protein sequence and biophysical properties (such as structural, functional, and spatial information, amino acid conservation, physicochemical variation, residue mobility, and thermodynamic stability) indicates that this missense variant is expected to disrupt CASP8 protein function with a positive predictive value of 80%. Algorithms developed to predict the effect of sequence changes on RNA splicing suggest that this variant may create or strengthen a splice site. In summary, the available evidence is currently insufficient to determine the role of this variant in disease. Therefore, it has been classified as a Variant of Uncertain Significance.

NM_001372051.1(CASP8):c.1018T>G (p.Phe340Val)

Gene: CASP8 (caspase 8; plus strand). Cytogenetic location: 2q33.1.
Variant type: single nucleotide variant.
Coding change: c.1018T>G on transcript NM_001372051.1 (MANE Select); coding-DNA position 1018, T replaced by G.
Protein change: p.Phe340Val; replaces phenylalanine 340 with valine.
Molecular consequence: missense variant. On other transcripts: non-coding transcript variant (22), intron variant (1).
Genome position (GRCh38, 1-based): chr2:201,285,031, T>G. VCF-style: chr2-201285031-T-G. GRCh37 (hg19) VCF-style: chr2-202149754-T-G.
Other names: c.973T>G, p.Phe325Val (NM_001080124.2, NM_001400658.1, NM_001400659.1 and 5 more transcripts); c.1195T>G, p.Phe399Val (NM_001080125.2); c.1069T>G, p.Phe357Val (NM_001228.5); c.1150T>G, p.Phe384Val (NM_001400642.1); c.1051T>G, p.Phe351Val (NM_001400645.1); c.1018T>G, p.Phe340Val (NM_001400648.1, NM_001400651.1, NM_001400653.1 and 5 more transcripts); c.949T>G, p.Phe317Val (NM_001400664.1); c.943T>G, p.Phe315Val (NM_001400665.1); and 7 more; short protein forms F271V, F384V, F135V, F141V, F317V, F357V, F399V, F126V.
Identifiers: ClinVar variation 4746439 (VCV004746439.1).